The following is an entry in ClinVar:

NM_001161352.2(KCNMA1):c.2396T>C (p.Ile799Thr)

Genes: KCNMA1-AS1 (KCNMA1 antisense RNA 1; plus strand), KCNMA1 (potassium calcium-activated channel subfamily M alpha 1; minus strand). Cytogenetic location: 10q22.3.
Variant type: single nucleotide variant.
Coding change: c.2396T>C on transcript NM_001161352.2 (MANE Select); coding-DNA position 2396, T replaced by C.
Protein change: p.Ile799Thr; replaces isoleucine 799 with threonine.
Molecular consequence: missense variant.
Genome position (GRCh38, 1-based): chr10:76,953,889, A>G on the plus strand (T>C on the coding strand, the complement: KCNMA1 is on the minus strand). VCF-style: chr10-76953889-A-G. GRCh37 (hg19) VCF-style: chr10-78713647-A-G.
Other names: c.2234T>C, p.Ile745Thr (NM_001014797.3, NM_001322835.2, NM_001322837.2); c.2222T>C, p.Ile741Thr (NM_001161353.2, NM_001322832.2, NM_001410940.1 and 1 more transcripts); c.2072T>C, p.Ile691Thr (NM_001271518.2); c.2231T>C, p.Ile744Thr (NM_001271519.2, NM_001322829.2, NM_001322836.2); c.2243T>C, p.Ile748Thr (NM_001322830.2); c.1769T>C, p.Ile590Thr (NM_001322838.2); short protein forms I590T, I741T, I748T, I691T, I744T, I745T, I799T.
Identifiers: ClinVar variation 2799236 (VCV002799236.3), dbSNP rs1291002490, ClinGen allele CA377407732.

ClinVar aggregate classification (germline): Uncertain significance (1 of 4 stars; one submission).

Conditions:
Generalized epilepsy-paroxysmal dyskinesia syndrome (PNKD3). Also called: Generalized epilepsy and paroxysmal dyskinesia; Paroxysmal nonkinesigenic dyskinesia, 3, with or without generalized epilepsy. Identifiers: Orphanet 79137, MedGen C5574945, MONDO:0012276, OMIM 609446.

Allele frequency attached by ClinVar (database versions not stated): gnomAD exomes 0.00001.
gnomAD v4.1: 14 of 1,614,140 alleles (0.00087%); highest among the groups gnomAD compares: Non-Finnish European, 0.0012%; no homozygotes.

Submission:

Labcorp Genetics (formerly Invitae), Labcorp
Classification: Uncertain significance for Generalized epilepsy-paroxysmal dyskinesia syndrome. Last evaluated: 2023-07-13. Review status: criteria provided, single submitter. Criteria: Invitae Variant Classification Sherloc (09022015). Collection method: clinical testing. Allele origin: germline.
Comment: In summary, the available evidence is currently insufficient to determine the role of this variant in disease. Therefore, it has been classified as a Variant of Uncertain Significance. Advanced modeling of protein sequence and biophysical properties (such as structural, functional, and spatial information, amino acid conservation, physicochemical variation, residue mobility, and thermodynamic stability) performed at Invitae indicates that this missense variant is not expected to disrupt KCNMA1 protein function. This variant has not been reported in the literature in individuals affected with KCNMA1-related conditions. This variant is present in population databases (no rsID available, gnomAD 0.0009%). This sequence change replaces isoleucine, which is neutral and non-polar, with threonine, which is neutral and polar, at codon 741 of the KCNMA1 protein (p.Ile741Thr).